The following is an entry in ClinVar:

ClinVar aggregate classification (germline): Uncertain significance (1 of 4 stars; one submission).

Conditions:
Familial cold autoinflammatory syndrome 2 (FCAS2). Identifiers: Orphanet 247868, MedGen C2673198, MONDO:0012724, OMIM 611762.

Submission:

Labcorp Genetics (formerly Invitae), Labcorp
Classification: Uncertain significance for Familial cold autoinflammatory syndrome 2. Last evaluated: 2024-11-12. Review status: criteria provided, single submitter. Criteria: Invitae Variant Classification Sherloc (09022015). Collection method: clinical testing. Allele origin: germline.
Comment: This sequence change replaces arginine, which is basic and polar, with proline, which is neutral and non-polar, at codon 795 of the NLRP12 protein (p.Arg795Pro). This variant is not present in population databases (gnomAD no frequency). This variant has not been reported in the literature in individuals affected with NLRP12-related conditions. Invitae Evidence Modeling of protein sequence and biophysical properties (such as structural, functional, and spatial information, amino acid conservation, physicochemical variation, residue mobility, and thermodynamic stability) indicates that this missense variant is not expected to disrupt NLRP12 protein function with a negative predictive value of 80%. In summary, the available evidence is currently insufficient to determine the role of this variant in disease. Therefore, it has been classified as a Variant of Uncertain Significance.

NM_144687.4(NLRP12):c.2384G>C (p.Arg795Pro)

Gene: NLRP12 (NLR family pyrin domain containing 12; minus strand). Cytogenetic location: 19q13.42.
Variant type: single nucleotide variant.
Coding change: c.2384G>C on transcript NM_144687.4 (MANE Select); coding-DNA position 2384, G replaced by C.
Protein change: p.Arg795Pro; replaces arginine 795 with proline.
Molecular consequence: missense variant.
Genome position (GRCh38, 1-based): chr19:53,805,310, C>G on the plus strand (G>C on the coding strand, the complement: NLRP12 is on the minus strand). VCF-style: chr19-53805310-C-G. GRCh37 (hg19) VCF-style: chr19-54308564-C-G.
Other names: c.2387G>C, p.Arg796Pro (NM_001277126.2); c.2384G>C, p.Arg795Pro (NM_001277129.1); short protein forms R795P, R796P.
Identifiers: ClinVar variation 3646045 (VCV003646045.2).
Genomic context (GRCh38, chr19:53,805,310, plus strand): 5'-AAGAAGTTGCTCCCGGGGATAGAGACTCACTGAATCATCTGCAGCCTGCACTGGGGATGC[C>G]GCAGGCCCTCGCAAAGCAGCATCATGCCTGGGAATCCAACGCCGTTGCCACTGAGATCCA-3'
Protein context (NP_653288.1, residues 785-805): PGMMLLCEGL[Arg795Pro]HPQCRLQMIQ